The following is an entry in ClinVar:

NM_002860.4(ALDH18A1):c.2011C>G (p.Leu671Val)

Gene: ALDH18A1 (aldehyde dehydrogenase 18 family member A1; minus strand). Cytogenetic location: 10q24.1.
Variant type: single nucleotide variant.
Coding change: c.2011C>G on transcript NM_002860.4 (MANE Select); coding-DNA position 2011, C replaced by G.
Protein change: p.Leu671Val; replaces leucine 671 with valine.
Molecular consequence: missense variant.
Genome position (GRCh38, 1-based): chr10:95,611,355, G>C on the plus strand (C>G on the coding strand, the complement: ALDH18A1 is on the minus strand). VCF-style: chr10-95611355-G-C. GRCh37 (hg19) VCF-style: chr10-97371112-G-C.
Other names: c.2005C>G, p.Leu669Val (NM_001017423.2, NM_001323415.2); c.1678C>G, p.Leu560Val (NM_001323412.2, NM_001323416.2); c.2011C>G, p.Leu671Val (NM_001323413.2, NM_001323414.2); c.1906C>G, p.Leu636Val (NM_001323417.2); c.1672C>G, p.Leu558Val (NM_001323418.2); c.1375C>G, p.Leu459Val (NM_001323419.2); short protein forms L671V, L560V, L636V, L669V, L459V, L558V.
Identifiers: ClinVar variation 423774 (VCV000423774.3), dbSNP rs1064796624, ClinGen allele CA16619085.

ClinVar aggregate classification (germline): Uncertain significance (1 of 4 stars; one submission).

Submission:

GeneDx
Classification: Uncertain significance. Last evaluated: 2024-07-03. Review status: criteria provided, single submitter. Criteria: GeneDx Variant Classification Process June 2021. Collection method: clinical testing. Allele origin: germline. Affected: yes.
Comment: Not observed at significant frequency in large population cohorts (gnomAD); In silico analysis indicates that this missense variant does not alter protein structure/function; Has not been previously published as pathogenic or benign to our knowledge